The following is an entry in ClinVar:

ClinVar aggregate classification (germline): Uncertain significance (1 of 4 stars; one submission).

Conditions:
PAUL-CHAO NEURODEVELOPMENTAL SYNDROME (NEDPACH). Also called: INTELLECTUAL DEVELOPMENTAL DISORDER WITH IMPAIRED SPEECH, DYSMORPHIC FACIES, AND BEHAVIORAL ABNORMALITIES. Identifiers: MedGen C6012758, OMIM 621122.

Submission:

Victorian Clinical Genetics Services, Murdoch Childrens Research Institute
Classification: Uncertain significance for PAUL-CHAO NEURODEVELOPMENTAL SYNDROME. Last evaluated: 2025-03-19. Review status: criteria provided, single submitter. Criteria: ACMG Guidelines, 2015. Collection method: clinical testing. Allele origin: germline.
Comment: This variant is classified as VUS-3A. Evidence in support of pathogenic classification: Variant is absent from gnomAD (v2, v3 and v4); Additional information: Variant is predicted to result in a missense amino acid change from methionine to isoleucine; This variant is heterozygous; This gene is associated with autosomal dominant disease; This variant has no previous evidence of pathogenicity; No published segregation evidence has been identified for this variant; No published functional evidence has been identified for this variant; No comparable missense variants have previous evidence for pathogenicity; Variant is not located in an established domain, motif, hotspot or informative constraint region; Missense variant with inconclusive in silico prediction and uninformative conservation; Loss of function is a known mechanism of disease in this gene and is associated with Paul-Chao neurodevelopmental syndrome (MIM#621122).

NM_003660.4(PPFIA3):c.18G>A (p.Met6Ile)

Genes: PPFIA3 (PPFI scaffold protein A3; plus strand), LOC130064903 (ATAC-STARR-seq lymphoblastoid silent region 10914; plus strand). Cytogenetic location: 19q13.33.
Variant type: single nucleotide variant.
Coding change: c.18G>A on transcript NM_003660.4 (MANE Select); coding-DNA position 18, G replaced by A.
Protein change: p.Met6Ile; replaces methionine 6 with isoleucine.
Molecular consequence: missense variant. On other transcripts: non-coding transcript variant (1).
Genome position (GRCh38, 1-based): chr19:49,127,891, G>A. VCF-style: chr19-49127891-G-A. GRCh37 (hg19) VCF-style: chr19-49631148-G-A.
Other names: short protein forms M6I.
Identifiers: ClinVar variation 4531733 (VCV004531733.1).